The following is an entry in ClinVar:

NM_017617.5(NOTCH1):c.4643G>A (p.Gly1548Asp)

Gene: NOTCH1 (notch receptor 1; minus strand). Cytogenetic location: 9q34.3.
Variant type: single nucleotide variant.
Coding change: c.4643G>A on transcript NM_017617.5 (MANE Select); coding-DNA position 4643, G replaced by A.
Protein change: p.Gly1548Asp; replaces glycine 1548 with aspartic acid.
Molecular consequence: missense variant.
Genome position (GRCh38, 1-based): chr9:136,505,048, C>T on the plus strand (G>A on the coding strand, the complement: NOTCH1 is on the minus strand). VCF-style: chr9-136505048-C-T. GRCh37 (hg19) VCF-style: chr9-139399500-C-T.
Other names: c.4643G>A (NM_017617.3); short protein forms G1548D.
Identifiers: ClinVar variation 2154980 (VCV002154980.6), dbSNP rs1843058128, ClinGen allele CA375645795.

ClinVar aggregate classification (germline): Uncertain significance. Review status: criteria provided, multiple submitters, no conflicts (2 of 4 stars). 2 submissions from 2 submitters: Uncertain significance (2). Last evaluated 2025-05-02.

Conditions:
Adams-Oliver syndrome 5 (AOS5). Identifiers: Orphanet 974, MedGen C4014970, MONDO:0014459, OMIM 616028.

Allele frequency attached by ClinVar (database versions not stated): gnomAD exomes below 0.00001; TOPMed 0.00001.
gnomAD v4.1: 1 of 1,610,930 alleles (0.000062%); highest among the groups gnomAD compares: Admixed American, 0.0017%; no homozygotes.

Submissions (2):

GeneDx
Classification: Uncertain significance. Last evaluated: 2025-05-02. Review status: criteria provided, single submitter. Criteria: GeneDx Variant Classification Process June 2021. Collection method: clinical testing. Allele origin: germline.
Comment: Not observed at significant frequency in large population cohorts (gnomAD); In silico analysis supports that this missense variant has a deleterious effect on protein structure/function; Has not been previously published as pathogenic or benign to our knowledge

Labcorp Genetics (formerly Invitae), Labcorp
Classification: Uncertain significance for Adams-Oliver syndrome 5. Last evaluated: 2022-07-29. Review status: criteria provided, single submitter. Criteria: Invitae Variant Classification Sherloc (09022015). Collection method: clinical testing. Allele origin: germline.
Comment: In summary, the available evidence is currently insufficient to determine the role of this variant in disease. Therefore, it has been classified as a Variant of Uncertain Significance. This sequence change replaces glycine, which is neutral and non-polar, with aspartic acid, which is acidic and polar, at codon 1548 of the NOTCH1 protein (p.Gly1548Asp). This variant is not present in population databases (gnomAD no frequency). This variant has not been reported in the literature in individuals affected with NOTCH1-related conditions. Algorithms developed to predict the effect of missense changes on protein structure and function (SIFT, PolyPhen-2, Align-GVGD) all suggest that this variant is likely to be disruptive.